The following is an entry in ClinVar:

ClinVar aggregate classification (germline): Uncertain significance. Review status: criteria provided, multiple submitters, no conflicts (2 of 4 stars). 2 submissions from 2 submitters: Uncertain significance (2). Last evaluated 2025-11-02.

Conditions:
Inborn genetic diseases. Identifiers: MedGen C0950123, MeSH D030342.

Allele frequency attached by ClinVar (database versions not stated): ExAC 0.00001; gnomAD exomes 0.00001; TOPMed 0.00001.
gnomAD v4.1: 10 of 1,613,774 alleles (0.00062%); highest among the groups gnomAD compares: South Asian, 0.0055%; no homozygotes.

Submissions (2):

Ambry Genetics
Classification: Uncertain significance for Inborn genetic diseases. Last evaluated: 2025-11-02. Review status: criteria provided, single submitter. Criteria: Ambry Variant Classification Scheme 2023. Collection method: clinical testing. Allele origin: germline.

Labcorp Genetics (formerly Invitae), Labcorp
Classification: Uncertain significance. Last evaluated: 2023-05-19. Review status: criteria provided, single submitter. Criteria: Invitae Variant Classification Sherloc (09022015). Collection method: clinical testing. Allele origin: germline.
Comment: This variant has not been reported in the literature in individuals affected with CACNA1D-related conditions. In summary, the available evidence is currently insufficient to determine the role of this variant in disease. Therefore, it has been classified as a Variant of Uncertain Significance. Advanced modeling of protein sequence and biophysical properties (such as structural, functional, and spatial information, amino acid conservation, physicochemical variation, residue mobility, and thermodynamic stability) performed at Invitae indicates that this missense variant is not expected to disrupt CACNA1D protein function. ClinVar contains an entry for this variant (Variation ID: 1989759). This variant is present in population databases (rs771879305, gnomAD 0.003%). This sequence change replaces aspartic acid, which is acidic and polar, with asparagine, which is neutral and polar, at codon 1132 of the CACNA1D protein (p.Asp1132Asn).

NM_001128840.3(CACNA1D):c.3334G>A (p.Asp1112Asn)

Genes: CACNA1D (calcium voltage-gated channel subunit alpha1 D; plus strand), LOC129936904 (ATAC-STARR-seq lymphoblastoid active region 19969; plus strand). Cytogenetic location: 3p21.1.
Variant type: single nucleotide variant.
Coding change: c.3334G>A on transcript NM_001128840.3 (MANE Select); coding-DNA position 3334, G replaced by A.
Protein change: p.Asp1112Asn; replaces aspartic acid 1112 with asparagine.
Molecular consequence: missense variant.
Genome position (GRCh38, 1-based): chr3:53,749,287, G>A. VCF-style: chr3-53749287-G-A. GRCh37 (hg19) VCF-style: chr3-53783314-G-A.
Other names: c.3394G>A, p.Asp1132Asn (NM_000720.4); c.3334G>A, p.Asp1112Asn (NM_001128839.3); c.3394G>A (NM_000720.2); short protein forms D1132N, D1112N.
Identifiers: ClinVar variation 1989759 (VCV001989759.5), dbSNP rs771879305, ClinGen allele CA2454557.